The following is an entry in ClinVar:

NM_001042492.3(NF1):c.7616-1G>C

Gene: NF1 (neurofibromin 1; plus strand). Cytogenetic location: 17q11.2.
Variant type: single nucleotide variant.
Coding change: c.7616-1G>C on transcript NM_001042492.3 (MANE Select); the canonical splice acceptor site of the intron before coding-DNA position 7616, G replaced by C.
Molecular consequence: splice acceptor variant.
Genome position (GRCh38, 1-based): chr17:31,356,459, G>C. VCF-style: chr17-31356459-G-C. GRCh37 (hg19) VCF-style: chr17-29683477-G-C.
Other names: c.7553-1G>C (NM_000267.4).
Identifiers: ClinVar variation 3662098 (VCV003662098.2).

ClinVar aggregate classification (germline): Likely pathogenic (1 of 4 stars; one submission).

Conditions:
Neurofibromatosis, type 1 (NF1). Also called: Peripheral type neurofibromatosis; VON RECKLINGHAUSEN DISEASE; NEUROFIBROMATOSIS, TYPE I, SOMATIC; Neurofibromatosis, type I. Identifiers: Orphanet 636, MedGen C0027831, MONDO:0018975, OMIM 162200. Disease mechanism: loss of function.

Submission:

Labcorp Genetics (formerly Invitae), Labcorp
Classification: Likely pathogenic for Neurofibromatosis, type 1. Last evaluated: 2024-08-12. Review status: criteria provided, single submitter. Criteria: Invitae Variant Classification Sherloc (09022015). Collection method: clinical testing. Allele origin: germline.
Comment: This sequence change affects an acceptor splice site in intron 50 of the NF1 gene. It is expected to disrupt RNA splicing. Variants that disrupt the donor or acceptor splice site typically lead to a loss of protein function (PMID: 16199547), and loss-of-function variants in NF1 are known to be pathogenic (PMID: 10712197, 23913538). This variant is not present in population databases (gnomAD no frequency). This variant has not been reported in the literature in individuals affected with NF1-related conditions. Algorithms developed to predict the effect of sequence changes on RNA splicing suggest that this variant may disrupt the consensus splice site. In summary, the currently available evidence indicates that the variant is pathogenic, but additional data are needed to prove that conclusively. Therefore, this variant has been classified as Likely Pathogenic.

Literature cited by the submitters: PubMed 16199547; PubMed 10712197; PubMed 23913538.